The following is an entry in ClinVar:

ClinVar aggregate classification (germline): Uncertain significance (1 of 4 stars; one submission).

Submission:

Labcorp Genetics (formerly Invitae), Labcorp
Classification: Uncertain significance. Last evaluated: 2023-10-13. Review status: criteria provided, single submitter. Criteria: Invitae Variant Classification Sherloc (09022015). Collection method: clinical testing. Allele origin: germline.
Comment: This sequence change falls in intron 12 of the DGKZ gene. It does not directly change the encoded amino acid sequence of the DGKZ protein. This variant is not present in population databases (gnomAD no frequency). This variant has not been reported in the literature in individuals affected with DGKZ-related conditions. ClinVar contains an entry for this variant (Variation ID: 2128036). Algorithms developed to predict the effect of sequence changes on RNA splicing suggest that this variant may disrupt the consensus splice site. In summary, the available evidence is currently insufficient to determine the role of this variant in disease. Therefore, it has been classified as a Variant of Uncertain Significance.

NM_001199267.2(DGKZ):c.1008-3del

Gene: DGKZ (diacylglycerol kinase zeta; plus strand). Cytogenetic location: 11p11.2.
Variant type: Deletion.
Coding change: c.1008-3del on transcript NM_001199267.2 (MANE Select); 3 bases into the intron before coding-DNA position 1008, one base deleted (C; older notation c.1008-3delC).
Molecular consequence: intron variant.
Genome position (GRCh38, 1-based): chr11:46,372,614, C deleted; the last of 3 consecutive C bases (chr11:46,372,612-46,372,614); deleting any one gives the same sequence. VCF-style (leftmost placement, unchanged base first): chr11-46372611-GC-G. GRCh37 (hg19) VCF-style: chr11-46394161-GC-G.
Other names: c.1059-3del (NM_201532.3); c.1023-3del (NM_201533.3); c.1011-3del (NM_001199266.2, NM_003646.4); c.942-3del (NM_001199268.2); c.1575-3del (NM_001105540.2).
Identifiers: ClinVar variation 2128036 (VCV002128036.4), dbSNP rs2496504069, ClinGen allele CA2580084128.